The following is an entry in ClinVar:

ClinVar aggregate classification (germline): Uncertain significance. Review status: criteria provided, multiple submitters, no conflicts (2 of 4 stars). 2 submissions from 2 submitters: Uncertain significance (2). Last evaluated 2025-12-04.

Conditions:
VPS13B-related disorder. Also called: VPS13B-related condition.
Inborn genetic diseases. Identifiers: MedGen C0950123, MeSH D030342.

Allele frequency attached by ClinVar (database versions not stated): TOPMed 0.00003; gnomAD 0.00005.
gnomAD v4.1: 12 of 1,612,588 alleles (0.00074%); highest among the groups gnomAD compares: Admixed American, 0.02%; no homozygotes.

Submissions (2):

Ambry Genetics
Classification: Uncertain significance for Inborn genetic diseases. Last evaluated: 2025-12-04. Review status: criteria provided, single submitter. Criteria: Ambry Variant Classification Scheme 2023. Collection method: clinical testing. Allele origin: germline.

PreventionGenetics, part of Exact Sciences
Classification: Uncertain significance for VPS13B-related condition. Last evaluated: 2022-11-10. Review status: criteria provided, single submitter. Criteria: ACMG Guidelines, 2015. Collection method: clinical testing. Allele origin: germline.
Comment: The VPS13B c.4121A>C variant is predicted to result in the amino acid substitution p.Lys1374Thr. To our knowledge, this variant has not been reported in the literature. This variant is reported in 0.012% of alleles in individuals of Latino descent in gnomAD. At this time, the clinical significance of this variant is uncertain due to the absence of conclusive functional and genetic evidence.

NM_152564.5(VPS13B):c.4121A>C (p.Lys1374Thr)

Gene: VPS13B (vacuolar protein sorting 13 homolog B; plus strand). Cytogenetic location: 8q22.2.
Variant type: single nucleotide variant.
Coding change: c.4121A>C on transcript NM_152564.5 (MANE Select); coding-DNA position 4121, A replaced by C.
Protein change: p.Lys1374Thr; replaces lysine 1374 with threonine.
Molecular consequence: missense variant.
Genome position (GRCh38, 1-based): chr8:99,502,914, A>C. VCF-style: chr8-99502914-A-C. GRCh37 (hg19) VCF-style: chr8-100515142-A-C.
Other names: c.4121A>C, p.Lys1374Thr (NM_017890.5); short protein forms K1374T.
Identifiers: ClinVar variation 1738026 (VCV001738026.4), dbSNP rs748331172, ClinGen allele CA371870063.